The following is an entry in ClinVar:

ClinVar aggregate classification (germline): Uncertain significance (1 of 4 stars; one submission).

Conditions:
Holoprosencephaly 3 (HPE3). Identifiers: Orphanet 2162, MedGen C1840529, MONDO:0007733, OMIM 142945.

gnomAD v4.1: 1 of 1,502,944 alleles (0.000067%); no homozygotes.

Submission:

Labcorp Genetics (formerly Invitae), Labcorp
Classification: Uncertain significance for Holoprosencephaly 3. Last evaluated: 2022-09-01. Review status: criteria provided, single submitter. Criteria: Invitae Variant Classification Sherloc (09022015). Collection method: clinical testing. Allele origin: germline.
Comment: This sequence change replaces serine, which is neutral and polar, with isoleucine, which is neutral and non-polar, at codon 338 of the SHH protein (p.Ser338Ile). This variant is not present in population databases (gnomAD no frequency). This variant has not been reported in the literature in individuals affected with SHH-related conditions. In summary, the available evidence is currently insufficient to determine the role of this variant in disease. Therefore, it has been classified as a Variant of Uncertain Significance. Algorithms developed to predict the effect of missense changes on protein structure and function (SIFT, PolyPhen-2, Align-GVGD) all suggest that this variant is likely to be tolerated.

NM_000193.4(SHH):c.1013G>T (p.Ser338Ile)

Gene: SHH (sonic hedgehog signaling molecule; minus strand). Cytogenetic location: 7q36.3.
Variant type: single nucleotide variant.
Coding change: c.1013G>T on transcript NM_000193.4 (MANE Select); coding-DNA position 1013, G replaced by T.
Protein change: p.Ser338Ile; replaces serine 338 with isoleucine.
Molecular consequence: missense variant. On other transcripts: intron variant (1).
Genome position (GRCh38, 1-based): chr7:155,803,276, C>A on the plus strand (G>T on the coding strand, the complement: SHH is on the minus strand). VCF-style: chr7-155803276-C-A. GRCh37 (hg19) VCF-style: chr7-155595970-C-A.
Other names: c.301+3020G>T (NM_001310462.2); short protein forms S338I.
Identifiers: ClinVar variation 2013685 (VCV002013685.4), dbSNP rs1803246364, ClinGen allele CA370145431.